The following is an entry in ClinVar:

NM_002055.5(GFAP):c.1141G>T (p.Val381Leu)

Gene: GFAP (glial fibrillary acidic protein; minus strand). Cytogenetic location: 17q21.31.
Variant type: single nucleotide variant.
Coding change: c.1141G>T on transcript NM_002055.5 (MANE Select); coding-DNA position 1141, G replaced by T.
Protein change: p.Val381Leu; replaces valine 381 with leucine.
Molecular consequence: missense variant.
Genome position (GRCh38, 1-based): chr17:44,910,645, C>A on the plus strand (G>T on the coding strand, the complement: GFAP is on the minus strand). VCF-style: chr17-44910645-C-A. GRCh37 (hg19) VCF-style: chr17-42988013-C-A.
Other names: c.1141G>T, p.Val381Leu (NM_001131019.3, NM_001242376.3, NM_001363846.2); short protein forms V381L.
Identifiers: ClinVar variation 4697806 (VCV004697806.1).

ClinVar aggregate classification (germline): Uncertain significance (1 of 4 stars; one submission).

gnomAD v4.1: 1 of 1,585,894 alleles (0.000063%); highest among the groups gnomAD compares: Non-Finnish European, 0.000086%; no homozygotes.

Submission:

Labcorp Genetics (formerly Invitae), Labcorp
Classification: Uncertain significance. Last evaluated: 2025-03-26. Review status: criteria provided, single submitter. Criteria: Invitae Variant Classification Sherloc (09022015). Collection method: clinical testing. Allele origin: germline.
Comment: This sequence change replaces valine, which is neutral and non-polar, with leucine, which is neutral and non-polar, at codon 381 of the GFAP protein (p.Val381Leu). This variant is not present in population databases (gnomAD no frequency). This variant has not been reported in the literature in individuals affected with GFAP-related conditions. Invitae Evidence Modeling of protein sequence and biophysical properties (such as structural, functional, and spatial information, amino acid conservation, physicochemical variation, residue mobility, and thermodynamic stability) has been performed for this missense variant. However, the output from this modeling did not meet the statistical confidence thresholds required to predict the impact of this variant on GFAP protein function. In summary, the available evidence is currently insufficient to determine the role of this variant in disease. Therefore, it has been classified as a Variant of Uncertain Significance.